The following is an entry in ClinVar:

NM_000875.5(IGF1R):c.596A>C (p.Asn199Thr)

Gene: IGF1R (insulin like growth factor 1 receptor; plus strand). Cytogenetic location: 15q26.3.
Variant type: single nucleotide variant.
Coding change: c.596A>C on transcript NM_000875.5 (MANE Select); coding-DNA position 596, A replaced by C.
Protein change: p.Asn199Thr; replaces asparagine 199 with threonine.
Molecular consequence: missense variant.
Genome position (GRCh38, 1-based): chr15:98,708,063, A>C. VCF-style: chr15-98708063-A-C. GRCh37 (hg19) VCF-style: chr15-99251292-A-C.
Other names: c.596A>C, p.Asn199Thr (NM_001291858.2); short protein forms N199T.
Identifiers: ClinVar variation 1307389 (VCV001307389.2), dbSNP rs2053907780, ClinGen allele CA393697628.

ClinVar aggregate classification (germline): Uncertain significance (1 of 4 stars; one submission).

gnomAD v4.1: 2 of 1,614,058 alleles (0.00012%); highest among the groups gnomAD compares: Middle Eastern, 0.033%; no homozygotes.

Submission:

GeneDx
Classification: Uncertain significance. Last evaluated: 2019-08-26. Review status: criteria provided, single submitter. Criteria: GeneDx Variant Classification Process June 2021. Collection method: clinical testing. Allele origin: germline. Affected: yes.
Comment: Not observed in large population cohorts (Lek et al., 2016); In silico analysis, which includes protein predictors and evolutionary conservation, supports a deleterious effect; Has not been previously published as pathogenic or benign to our knowledge